The following is an entry in ClinVar:

ClinVar aggregate classification (germline): Benign/Likely benign. Review status: criteria provided, multiple submitters, no conflicts (2 of 4 stars). 10 submissions from 7 submitters: Benign (9); Likely benign (1). Last evaluated 2026-02-04.

Conditions:
Congenital myopathy 18. Also called: Myopathy, congenital, due to dihydropyridine receptor defect; DIHYDROPYRIDINE RECEPTOR CONGENITAL MYOPATHY; DHPR CONGENITAL MYOPATHY. Identifiers: MedGen C5830283, MONDO:0859514, OMIM 620246.
Hypokalemic periodic paralysis, type 1. Also called: Hypokalemic Periodic Paralysis Type 1 (AD); HypoPP. Identifiers: Orphanet 681, MedGen C3714580, MONDO:0042979, OMIM 170400.
Malignant hyperthermia, susceptibility to, 5 (MHS5). Also called: CACNA1S-Related Malignant Hyperthermia Susceptibility. Identifiers: Orphanet 423, MedGen C1866077, MONDO:0011163, OMIM 601887.
Thyrotoxic periodic paralysis, susceptibility to, 1 (TTPP1). Identifiers: Orphanet 79102, MedGen C2749982, MONDO:0008570, OMIM 188580.

Allele frequency attached by ClinVar (database versions not stated): TOPMed 0.03658; ESP Exome Variant Server 0.03744; 1000 Genomes Project 0.05052; 1000 Genomes Project 30x 0.05215.
gnomAD v4.1: 17,247 of 1,609,462 alleles (1.1%); highest among the groups gnomAD compares: African/African-American, 11%; 740 homozygotes.

Submissions (10):

Labcorp Genetics (formerly Invitae), Labcorp
Classification: Benign for Hypokalemic periodic paralysis, type 1; Malignant hyperthermia, susceptibility to, 5. Last evaluated: 2026-02-04. Review status: criteria provided, single submitter. Criteria: Invitae Variant Classification Sherloc (09022015). Collection method: clinical testing. Allele origin: germline.

Blueprint Genetics
Classification: Likely benign. Last evaluated: 2024-11-25. Review status: criteria provided, single submitter. Criteria: ACMG Guidelines, 2015. Collection method: clinical testing. Allele origin: germline.

ARUP Laboratories, Molecular Genetics and Genomics, ARUP Laboratories
Classification: Benign. Last evaluated: 2023-10-14. Review status: criteria provided, single submitter. Criteria: ARUP Molecular Germline Variant Investigation Process 2024. Collection method: clinical testing. Allele origin: germline.

Genome-Nilou Lab
Classification: Benign for Malignant hyperthermia, susceptibility to, 5. Last evaluated: 2023-04-11. Review status: criteria provided, single submitter. Criteria: ACMG Guidelines, 2015. Collection method: clinical testing. Allele origin: germline. Affected: no.

Genome-Nilou Lab
Classification: Benign for Thyrotoxic periodic paralysis, susceptibility to, 1. Last evaluated: 2023-04-11. Review status: criteria provided, single submitter. Criteria: ACMG Guidelines, 2015. Collection method: clinical testing. Allele origin: germline. Affected: no.

Genome-Nilou Lab
Classification: Benign for Congenital myopathy 18. Last evaluated: 2023-04-11. Review status: criteria provided, single submitter. Criteria: ACMG Guidelines, 2015. Collection method: clinical testing. Allele origin: germline. Affected: no.

Genome-Nilou Lab
Classification: Benign for Hypokalemic periodic paralysis, type 1. Last evaluated: 2023-04-11. Review status: criteria provided, single submitter. Criteria: ACMG Guidelines, 2015. Collection method: clinical testing. Allele origin: germline. Affected: no.

GeneDx
Classification: Benign. Last evaluated: 2016-03-24. Review status: criteria provided, single submitter. Criteria: GeneDx Variant Classification (06012015). Collection method: clinical testing. Allele origin: germline. Affected: yes.
Comment: This variant is considered likely benign or benign based on one or more of the following criteria: it is a conservative change, it occurs at a poorly conserved position in the protein, it is predicted to be benign by multiple in silico algorithms, and/or has population frequency not consistent with disease.

Breakthrough Genomics
Classification: Benign. Review status: criteria provided, single submitter. Criteria: ACMG Guidelines, 2015. Collection method: not provided. Allele origin: germline. Inheritance: Autosomal dominant inheritance. Affected: yes.

PreventionGenetics, part of Exact Sciences
Classification: Benign. Review status: criteria provided, single submitter. Criteria: ACMG Guidelines, 2015. Collection method: clinical testing. Allele origin: germline.

NM_000069.3(CACNA1S):c.152+17G>C

Gene: CACNA1S (calcium voltage-gated channel subunit alpha1 S; minus strand). Cytogenetic location: 1q32.1.
Variant type: single nucleotide variant.
Coding change: c.152+17G>C on transcript NM_000069.3 (MANE Select); 17 bases into the intron after coding-DNA position 152, G replaced by C.
Molecular consequence: intron variant.
Genome position (GRCh38, 1-based): chr1:201,112,171, C>G on the plus strand (G>C on the coding strand, the complement: CACNA1S is on the minus strand). VCF-style: chr1-201112171-C-G. GRCh37 (hg19) VCF-style: chr1-201081299-C-G.
Identifiers: ClinVar variation 254798 (VCV000254798.16), dbSNP rs113558244, ClinGen allele CA078293.
Genomic context (GRCh38, chr1:201,112,171, plus strand): 5'-GTTTGTGCTCTGTGATCACCCCGAATCCCTCCCTCATGACGCACACCCCCCCCCACGGCC[C>G]GGGCCCTGAAGGATACTTCCATTCTACAATGCTGATGCAGGCCTTCCTCAGGGGGTTCTC-3'